The following is an entry in ClinVar:

ClinVar aggregate classification (germline): Benign/Likely benign. Review status: criteria provided, multiple submitters, no conflicts (2 of 4 stars). 5 submissions from 5 submitters: Benign (2); Likely benign (3). Last evaluated 2026-09-21.

Conditions:
Danon disease. Also called: PSEUDOGLYCOGENOSIS II; GSD IIb; LYSOSOMAL GLYCOGEN STORAGE DISEASE WITHOUT ACID MALTASE DEFICIENCY; Glycogen Storage Disease Type IIb; ANTOPOL DISEASE. Identifiers: Orphanet 34587, MedGen C0878677, MONDO:0010281, OMIM 300257.
Cardiovascular phenotype. Identifiers: MedGen CN230736.

Allele frequency attached by ClinVar (database versions not stated): gnomAD exomes 0.00006; ExAC 0.00008; TOPMed 0.00001.
gnomAD v4.1: 42 of 1,202,962 alleles (0.0035%); highest among the groups gnomAD compares: South Asian, 0.074%; no homozygotes.

Submissions (5):

Molecular Diagnostic Laboratory for Inherited Cardiovascular Disease, Montreal Heart Institute
Classification: Likely benign. Last evaluated: 2026-09-21. Review status: criteria provided, single submitter. Criteria: ACMG Guidelines, 2015. Collection method: clinical testing. Allele origin: germline. Affected: no.

Ambry Genetics
Classification: Benign for Cardiovascular phenotype. Last evaluated: 2026-08-28. Review status: criteria provided, single submitter. Criteria: Ambry Variant Classification Scheme 2023. Collection method: clinical testing. Allele origin: germline.

Blueprint Genetics
Classification: Likely benign. Last evaluated: 2024-06-28. Review status: criteria provided, single submitter. Criteria: ACMG Guidelines, 2015. Collection method: clinical testing. Allele origin: germline.

Labcorp Genetics (formerly Invitae), Labcorp
Classification: Benign for Danon disease. Last evaluated: 2024-04-04. Review status: criteria provided, single submitter. Criteria: Invitae Variant Classification Sherloc (09022015). Collection method: clinical testing. Allele origin: germline.

GeneDx
Classification: Likely benign. Last evaluated: 2017-02-08. Review status: criteria provided, single submitter. Criteria: GeneDx Variant Classification (06012015). Collection method: clinical testing. Allele origin: germline. Affected: yes.
Comment: This variant is considered likely benign or benign based on one or more of the following criteria: it is a conservative change, it occurs at a poorly conserved position in the protein, it is predicted to be benign by multiple in silico algorithms, and/or has population frequency not consistent with disease.

NM_002294.3(LAMP2):c.1094-4C>T

Gene: LAMP2 (lysosome associated membrane protein 2; minus strand). Cytogenetic location: Xq24.
Variant type: single nucleotide variant.
Coding change: c.1094-4C>T on transcript NM_002294.3 (MANE Select); 4 bases into the intron before coding-DNA position 1094, C replaced by T.
Molecular consequence: intron variant.
Genome position (GRCh38, 1-based): chrX:120,431,466, G>A on the plus strand (C>T on the coding strand, the complement: LAMP2 is on the minus strand). VCF-style: chrX-120431466-G-A. GRCh37 (hg19) VCF-style: chrX-119565321-G-A.
Other names: c.1094-2840C>T (NM_001122606.1).
Identifiers: ClinVar variation 507269 (VCV000507269.10), dbSNP rs768756537, ClinGen allele CA10505175.
Genomic context (GRCh38, chrX:120,431,466, plus strand): 5'-CAGCTCCCACCGCTATGGGCACAAGGAAGTTGTCGTCATCTGCACTGCAGTCTTGAGCTA[G>A]ATGTGGAGAAAGGACAATTGAGAACAGAAACAGTGACAAACTTTCAAATCTGTGTATTTT-3'